The following is an entry in ClinVar:

NM_001408.3(CELSR2):c.2925C>T (p.Ser975=)

Gene: CELSR2 (cadherin EGF LAG seven-pass G-type receptor 2; plus strand). Cytogenetic location: 1p13.3.
Variant type: single nucleotide variant.
Coding change: c.2925C>T on transcript NM_001408.3 (MANE Select); coding-DNA position 2925, C replaced by T.
Protein change: p.Ser975=; no amino-acid change (serine 975 retained).
Molecular consequence: synonymous variant.
Genome position (GRCh38, 1-based): chr1:109,253,004, C>T. VCF-style: chr1-109253004-C-T. GRCh37 (hg19) VCF-style: chr1-109795626-C-T.
Identifiers: ClinVar variation 2638968 (VCV002638968.24), dbSNP rs757852154, ClinGen allele CA986838.

ClinVar aggregate classification (germline): Likely benign (1 of 4 stars; one submission).

gnomAD v4.1: 35 of 1,612,526 alleles (0.0022%); highest among the groups gnomAD compares: Middle Eastern, 0.066%; no homozygotes.

Submission:

CeGaT Center for Human Genetics Tuebingen
Classification: Likely benign. Last evaluated: 2022-08-01. Review status: criteria provided, single submitter. Criteria: CeGaT Center For Human Genetics Tuebingen Variant Classification Criteria Version 2. Collection method: clinical testing. Allele origin: germline. Affected: yes. Observed: 1 variant allele.
Comment: CELSR2: BP4, BP7